The following is an entry in ClinVar:

ClinVar aggregate classification (germline): Uncertain significance (1 of 4 stars; one submission).

gnomAD v4.1: 2 of 1,598,576 alleles (0.00013%); highest among the groups gnomAD compares: Non-Finnish European, 0.00017%; no homozygotes.

Submission:

GeneDx
Classification: Uncertain significance. Last evaluated: 2024-10-30. Review status: criteria provided, single submitter. Criteria: GeneDx Variant Classification Process June 2021. Collection method: clinical testing. Allele origin: germline. Affected: yes.
Comment: Not observed at significant frequency in large population cohorts (gnomAD); In silico analysis supports that this missense variant has a deleterious effect on protein structure/function; Has not been previously published as pathogenic or benign to our knowledge

NM_001136193.2(FASTKD2):c.198C>G (p.Asn66Lys)

Gene: FASTKD2 (FAST kinase domains 2; plus strand). Cytogenetic location: 2q33.3.
Variant type: single nucleotide variant.
Coding change: c.198C>G on transcript NM_001136193.2 (MANE Select); coding-DNA position 198, C replaced by G.
Protein change: p.Asn66Lys; replaces asparagine 66 with lysine.
Molecular consequence: missense variant.
Genome position (GRCh38, 1-based): chr2:206,766,891, C>G. VCF-style: chr2-206766891-C-G. GRCh37 (hg19) VCF-style: chr2-207631615-C-G.
Other names: c.198C>G, p.Asn66Lys (NM_001136194.2, NM_014929.4); short protein forms N66K.
Identifiers: ClinVar variation 3897370 (VCV003897370.1).